The following is an entry in ClinVar:

ClinVar aggregate classification (germline): Conflicting classifications of pathogenicity. Review status: criteria provided, conflicting classifications (1 of 4 stars). 14 submissions from 10 submitters: Uncertain significance (6); Likely benign (7). 1 of the submissions does not count toward it. Last evaluated 2026-08-28.

Conditions:
NF1-related disorder. Also called: NF1-related condition. Identifiers: MedGen CN379171.
Cardiovascular phenotype. Identifiers: MedGen CN230736.
Hereditary cancer-predisposing syndrome. Also called: Tumor predisposition; Neoplastic Syndromes, Hereditary; Hereditary neoplastic syndrome; Hereditary Cancer Syndrome. Identifiers: Orphanet 140162, MedGen C0027672, MeSH D009386, MONDO:0015356.
Atypical coarctation of aorta. Also called: Midaortic syndrome. Identifiers: Orphanet 1456, MedGen C3496579, MONDO:0015446.
Neurofibromatosis, type 1 (NF1). Also called: NEUROFIBROMATOSIS, TYPE I, SOMATIC; VON RECKLINGHAUSEN DISEASE; Peripheral type neurofibromatosis; Neurofibromatosis, type I. Identifiers: Orphanet 636, MedGen C0027831, MONDO:0018975, OMIM 162200. Disease mechanism: loss of function.
Neurofibromatosis-Noonan syndrome (NFNS). Also called: NEUROFIBROMATOSIS WITH NOONAN PHENOTYPE. Identifiers: Orphanet 638, MedGen C2931482, MONDO:0011035, OMIM 601321. Disease mechanism: loss of function.
Café-au-lait macules with pulmonary stenosis (WTSN). Also called: PULMONIC STENOSIS WITH CAFE-AU-LAIT SPOTS. Identifiers: MedGen C0553586, MONDO:0008672, OMIM 193520.
Neurofibromatosis, familial spinal (FSNF). Identifiers: Orphanet 636, MedGen C1834235, MONDO:0008078, OMIM 162210. Disease mechanism: loss of function.
Juvenile myelomonocytic leukemia (JMML). Also called: LEUKEMIA, JUVENILE MYELOMONOCYTIC, SOMATIC. Identifiers: Orphanet 86834, MedGen C0349639, MONDO:0011908, OMIM 607785, HP:0012209.

Allele frequency attached by ClinVar (database versions not stated): ExAC 0.00007; gnomAD 0.00007 and 0.00005; gnomAD exomes 0.00008 and 0.00011; TOPMed 0.00014; ESP Exome Variant Server 0.00015.
gnomAD v4.1: 171 of 1,613,990 alleles (0.011%); highest among the groups gnomAD compares: Non-Finnish European, 0.014%; no homozygotes.

Submissions (14):

PreventionGenetics, part of Exact Sciences
Classification: Likely benign for NF1-related condition. Last evaluated: 2026-08-28. Review status: criteria provided, single submitter. Criteria: ACMG Guidelines, 2015. Collection method: clinical testing. Allele origin: germline.
Comment: This variant is classified as likely benign based on ACMG/AMP sequence variant interpretation guidelines (Richards et al. 2015 PMID: 25741868, with internal and published modifications).

Labcorp Genetics (formerly Invitae), Labcorp
Classification: Likely benign for Neurofibromatosis, type 1. Last evaluated: 2026-02-02. Review status: criteria provided, single submitter. Criteria: Invitae Variant Classification Sherloc (09022015). Collection method: clinical testing. Allele origin: germline.

Ambry Genetics
Classification: Likely benign for Hereditary cancer-predisposing syndrome. Last evaluated: 2023-07-13. Review status: criteria provided, single submitter. Criteria: Ambry General Variant Classification Scheme_2022. Collection method: clinical testing. Allele origin: germline.

GeneDx
Classification: Likely benign. Last evaluated: 2021-01-04. Review status: criteria provided, single submitter. Criteria: GeneDx Variant Classification Process June 2021. Collection method: clinical testing. Allele origin: germline. Affected: yes.
Comment: In silico analysis, which includes protein predictors and evolutionary conservation, supports a deleterious effect; Observed in individuals with a personal or family history including midaortic syndrome (Warejko 2018); This variant is associated with the following publications: (PMID: 33231931, 28550306, 28380455, 29483232, 31159747)

Sema4
Classification: Likely benign for Hereditary cancer-predisposing syndrome. Last evaluated: 2020-05-20. Review status: criteria provided, single submitter. Criteria: Sema4 Curation Guidelines. Collection method: curation. Allele origin: germline.

Ambry Genetics
Classification: Likely benign for Cardiovascular phenotype; Hereditary cancer-predisposing syndrome. Last evaluated: 2019-05-08. Review status: criteria provided, single submitter. Criteria: Ambry Variant Classification Scheme 2023. Collection method: clinical testing. Allele origin: germline.

Fulgent Genetics
Classification: Uncertain significance for Neurofibromatosis, type 1; Neurofibromatosis, familial spinal; Café-au-lait macules with pulmonary stenosis; Neurofibromatosis-Noonan syndrome; Juvenile myelomonocytic leukemia. Last evaluated: 2018-10-31. Review status: criteria provided, single submitter. Criteria: ACMG Guidelines, 2015. Collection method: clinical testing. Allele origin: unknown.

GeneKor MSA
Classification: Uncertain significance for Hereditary cancer-predisposing syndrome. Last evaluated: 2018-08-01. Review status: criteria provided, single submitter. Criteria: ACMG Guidelines, 2015. Collection method: clinical testing. Allele origin: germline. Affected: yes.

Illumina Laboratory Services, Illumina
Classification: Likely benign for Neurofibromatosis-Noonan syndrome. Last evaluated: 2018-01-12. Review status: criteria provided, single submitter. Criteria: ICSL Variant Classification Criteria 13 December 2019. Collection method: clinical testing. Allele origin: germline.
Comment: This variant was observed in the ICSL laboratory as part of a predisposition screen in an ostensibly healthy population. It had not been previously curated by ICSL or reported in the Human Gene Mutation Database (HGMD: prior to June 1st, 2018), and was therefore a candidate for classification through an automated scoring system. Utilizing variant allele frequency, disease prevalence and penetrance estimates, and inheritance mode, an automated score was calculated to assess if this variant is too frequent to cause the disease. Based on the score and internal cut-off values, a variant classified as likely benign is not then subjected to further curation. The score for this variant resulted in a classification of likely benign for this disease.

Illumina Laboratory Services, Illumina
Classification: Uncertain significance for Neurofibromatosis, familial spinal. Last evaluated: 2018-01-12. Review status: criteria provided, single submitter. Criteria: ICSL Variant Classification Criteria 13 December 2019. Collection method: clinical testing. Allele origin: germline.

Illumina Laboratory Services, Illumina
Classification: Uncertain significance for Neurofibromatosis, type 1. Last evaluated: 2018-01-12. Review status: criteria provided, single submitter. Criteria: ICSL Variant Classification Criteria 13 December 2019. Collection method: clinical testing. Allele origin: germline.

Illumina Laboratory Services, Illumina
Classification: Uncertain significance for Café-au-lait macules with pulmonary stenosis. Last evaluated: 2018-01-12. Review status: criteria provided, single submitter. Criteria: ICSL Variant Classification Criteria 13 December 2019. Collection method: clinical testing. Allele origin: germline.

Center for Genomics, Ann and Robert H. Lurie Children's Hospital of Chicago
Classification: Uncertain significance for Juvenile myelomonocytic leukemia; Neurofibromatosis, familial spinal; Neurofibromatosis, type 1; Neurofibromatosis-Noonan syndrome; Café-au-lait macules with pulmonary stenosis. Review status: criteria provided, single submitter. Criteria: ACMG Guidelines, 2015. Collection method: clinical testing. Allele origin: germline.
Comment: NF1 NM_000267.3 exon 10 p.His389Arg (c.1166A>G): This variant has been reported in the literature in at least 2 individuals: 1 individual with clinical suspicion of Neurofibromatosis-1 (NF1) and 1 individual with NF1; of note, this individual was reported to have a second, truncating NF1 variant (Warejko 2018 PMID:29483232; Kluwe 2021 PMID:33231931). This variant is present in 0.01% (10/68020) of European alleles in the Genome Aggregation Database. This variant is present in ClinVar (Variation ID:141982). Evolutionary conservation and computational predictive tools suggest that this variant may not impact the protein. In summary, data on this variant is insufficient for disease classification. Therefore, the clinical significance of this variant is uncertain.

Yale Center for Mendelian Genomics, Yale University
Classification: Likely pathogenic for Midaortic syndrome. Last evaluated: 2018-02-26. Review status: no assertion criteria provided. Collection method: literature only. Allele origin: germline. Affected: yes. Observed: 1 heterozygote. Not counted in ClinVar's aggregate classification.

Literature cited by the submitters: PubMed 28518168 (cited by Ambry Genetics); PubMed 32461654 (cited by Ambry Genetics); PubMed 29483232 (cited by Yale Center for Mendelian Genomics, Yale University).

NM_001042492.3(NF1):c.1166A>G (p.His389Arg)

Gene: NF1 (neurofibromin 1; plus strand). Cytogenetic location: 17q11.2.
Variant type: single nucleotide variant.
Coding change: c.1166A>G on transcript NM_001042492.3 (MANE Select); coding-DNA position 1166, A replaced by G.
Protein change: p.His389Arg; replaces histidine 389 with arginine.
Molecular consequence: missense variant.
Genome position (GRCh38, 1-based): chr17:31,201,140, A>G. VCF-style: chr17-31201140-A-G. GRCh37 (hg19) VCF-style: chr17-29528158-A-G.
Other names: c.1166A>G, p.His389Arg (NM_000267.4, NM_001128147.3); short protein forms H389R.
Identifiers: ClinVar variation 141982 (VCV000141982.28), dbSNP rs149739570, ClinGen allele CA167012.